The following is an entry in ClinVar:

NM_000093.5(COL5A1):c.2500C>T (p.Pro834Ser)

Gene: COL5A1 (collagen type V alpha 1 chain; plus strand). Cytogenetic location: 9q34.3.
Variant type: single nucleotide variant.
Coding change: c.2500C>T on transcript NM_000093.5 (MANE Select); coding-DNA position 2500, C replaced by T.
Protein change: p.Pro834Ser; replaces proline 834 with serine.
Molecular consequence: missense variant.
Genome position (GRCh38, 1-based): chr9:134,785,004, C>T. VCF-style: chr9-134785004-C-T. GRCh37 (hg19) VCF-style: chr9-137676850-C-T.
Other names: c.2500C>T, p.Pro834Ser (NM_001278074.1); short protein forms P834S.
Identifiers: ClinVar variation 1792251 (VCV001792251.2), dbSNP rs1477881566, ClinGen allele CA375454331.

ClinVar aggregate classification (germline): Uncertain significance (1 of 4 stars; one submission).

Conditions:
Familial thoracic aortic aneurysm and aortic dissection (TAAD). Also called: Thoracic aortic aneurysms and dissections. Identifiers: Orphanet 91387, MedGen C4707243, MONDO:0019625.

Allele frequency attached by ClinVar (database versions not stated): gnomAD 0.00001; gnomAD exomes 0.00001.

Submission:

Ambry Genetics
Classification: Uncertain significance for Familial thoracic aortic aneurysm and aortic dissection. Last evaluated: 2022-06-16. Review status: criteria provided, single submitter. Criteria: Ambry Variant Classification Scheme 2023. Collection method: clinical testing. Allele origin: germline.
Comment: The p.P834S variant (also known as c.2500C>T), located in coding exon 30 of the COL5A1 gene, results from a C to T substitution at nucleotide position 2500. The proline at codon 834 is replaced by serine, an amino acid with similar properties. This amino acid position is well conserved in available vertebrate species; however, serine is the reference amino acid in other vertebrate species. In addition, the in silico prediction for this alteration is inconclusive. Since supporting evidence is limited at this time, the clinical significance of this alteration remains unclear.